The following is an entry in ClinVar:

NM_001042492.3(NF1):c.3212C>A (p.Ala1071Glu)

Gene: NF1 (neurofibromin 1; plus strand). Cytogenetic location: 17q11.2.
Variant type: single nucleotide variant.
Coding change: c.3212C>A on transcript NM_001042492.3 (MANE Select); coding-DNA position 3212, C replaced by A.
Protein change: p.Ala1071Glu; replaces alanine 1071 with glutamic acid.
Molecular consequence: missense variant.
Genome position (GRCh38, 1-based): chr17:31,232,087, C>A. VCF-style: chr17-31232087-C-A. GRCh37 (hg19) VCF-style: chr17-29559105-C-A.
Other names: c.3212C>A, p.Ala1071Glu (NM_000267.4); short protein forms A1071E.
Identifiers: ClinVar variation 1728955 (VCV001728955.2), dbSNP rs2151433685, ClinGen allele CA398988609.
Genomic context (GRCh38, chr17:31,232,087, plus strand): 5'-GATTCATGGTCTCTAAATTTTTTTTTTTTTTTTTTTTTTTTTTCAGAGATTTGGACCAGG[C>A]AAGCATGGAAGCAGTAGTTTCACTTCTAGCTGGTCTCCCTCTGCAGCCTGAAGAAGGAGA-3'
Protein context (NP_001035957.1, residues 1061-1081): VKCLTRDLDQ[Ala1071Glu]SMEAVVSLLA

ClinVar aggregate classification (germline): Uncertain significance (1 of 4 stars; one submission).

Conditions:
Cardiovascular phenotype. Identifiers: MedGen CN230736.
Hereditary cancer-predisposing syndrome. Also called: Tumor predisposition; Neoplastic Syndromes, Hereditary; Hereditary Cancer Syndrome; Hereditary neoplastic syndrome. Identifiers: Orphanet 140162, MedGen C0027672, MeSH D009386, MONDO:0015356.

Submission:

Ambry Genetics
Classification: Uncertain significance for Cardiovascular phenotype; Hereditary cancer-predisposing syndrome. Last evaluated: 2022-04-19. Review status: criteria provided, single submitter. Criteria: Ambry Variant Classification Scheme 2023. Collection method: clinical testing. Allele origin: germline.
Comment: The p.A1071E variant (also known as c.3212C>A), located in coding exon 25 of the NF1 gene, results from a C to A substitution at nucleotide position 3212. The alanine at codon 1071 is replaced by glutamic acid, an amino acid with dissimilar properties. This amino acid position is conserved. In addition, the in silico prediction for this alteration is inconclusive. Since supporting evidence is limited at this time, the clinical significance of this alteration remains unclear.